The following is an entry in ClinVar:

NM_000834.5(GRIN2B):c.3835A>G (p.Thr1279Ala)

Gene: GRIN2B (glutamate ionotropic receptor NMDA type subunit 2B; minus strand). Cytogenetic location: 12p13.1.
Variant type: single nucleotide variant.
Coding change: c.3835A>G on transcript NM_000834.5 (MANE Select); coding-DNA position 3835, A replaced by G.
Protein change: p.Thr1279Ala; replaces threonine 1279 with alanine.
Molecular consequence: missense variant.
Genome position (GRCh38, 1-based): chr12:13,563,403, T>C on the plus strand (A>G on the coding strand, the complement: GRIN2B is on the minus strand). VCF-style: chr12-13563403-T-C. GRCh37 (hg19) VCF-style: chr12-13716337-T-C.
Other names: c.3835A>G, p.Thr1279Ala (NM_001413992.1); short protein forms T1279A.
Identifiers: ClinVar variation 2925893 (VCV002925893.3), dbSNP rs372152403, ClinGen allele CA233133264.

ClinVar aggregate classification (germline): Uncertain significance (1 of 4 stars; one submission).

Conditions:
Intellectual developmental disorder, autosomal dominant 6, with or without seizures. Also called: GRIN2B-related developmental delay, intellectual disability and autism spectrum disorder; Intellectual disability, autosomal dominant 6. Identifiers: Orphanet 589547, MedGen C3151411, MONDO:0013509, OMIM 613970.
Developmental and epileptic encephalopathy, 27 (DEE27). Also called: Epileptic encephalopathy, early infantile, 27; GRIN2B-Related Neurodevelopmental Disorder. Identifiers: Orphanet 3451, MedGen C4015316, MONDO:0014505, OMIM 616139.

gnomAD v4.1: 6 of 1,614,194 alleles (0.00037%); highest among the groups gnomAD compares: Admixed American, 0.0033%; no homozygotes.

Submission:

Labcorp Genetics (formerly Invitae), Labcorp
Classification: Uncertain significance for Developmental and epileptic encephalopathy, 27; Intellectual developmental disorder, autosomal dominant 6, with or without seizures. Last evaluated: 2024-11-25. Review status: criteria provided, single submitter. Criteria: Invitae Variant Classification Sherloc (09022015). Collection method: clinical testing. Allele origin: germline.
Comment: This sequence change replaces threonine, which is neutral and polar, with alanine, which is neutral and non-polar, at codon 1279 of the GRIN2B protein (p.Thr1279Ala). This variant is present in population databases (rs372152403, gnomAD 0.003%). This variant has not been reported in the literature in individuals affected with GRIN2B-related conditions. ClinVar contains an entry for this variant (Variation ID: 2925893). Invitae Evidence Modeling of protein sequence and biophysical properties (such as structural, functional, and spatial information, amino acid conservation, physicochemical variation, residue mobility, and thermodynamic stability) indicates that this missense variant is not expected to disrupt GRIN2B protein function with a negative predictive value of 95%. In summary, the available evidence is currently insufficient to determine the role of this variant in disease. Therefore, it has been classified as a Variant of Uncertain Significance.